The following is an entry in ClinVar:

ClinVar aggregate classification (germline): Pathogenic (3 of 4 stars; one submission).

Conditions:
RPE65-related recessive retinopathy. Also called: Recessive RPE65 retinopathy. Identifiers: MedGen CN305526, MONDO:0100368.

Submission:

ClinGen Leber Congenital Amaurosis/early Onset Retinal Dystrophy Variant Curation Expert Panel, ClinGen
Classification: Pathogenic for RPE65-related recessive retinopathy. Last evaluated: 2024-02-20. Review status: reviewed by expert panel. Criteria: ClinGen LCAeoRD ACMG Specifications RPE65 V1.0.0. Collection method: curation. Allele origin: germline. Inheritance: Autosomal recessive inheritance.
Comment: NM_000329.3(RPE65):c.1205_1206insCCTG (p.Trp402CysfsTer6) is a frameshift variant that introduces a premature stop codon into exon 6 of 14, and is predicted to lead to nonsense-mediated decay in a gene in which loss-of-function is an established mechanism of disease (PVS1). The variant has been reported to segregate with childhood-onset severe retinal dystrophy through the proband plus at least 3 similarly affected relatives, with the variant present in the compound heterozygous state with the p.Leu341Ser variant in trans (PP1_strong; PMID: 9501220). At least 1 proband with early-onset severe retinal dystrophy harbored the variant in the compound heterozygous state with the p.Leu341Ser variant confirmed in trans (PMID: 9501220), however, the PM3 code was not considered to avoid circularity. This variant is absent from gnomAD v2.1.1 (PM2_Supporting). In summary, this variant meets the criteria to be classified as Pathogenic for RPE65-related recessive retinopathy based on the ACMG/AMP criteria applied, as specified by the ClinGen LCA/eoRD VCEP: PVS1, PM2_Supporting, PP1_Strong. (VCEP specifications version 1.0.0; date of approval 09/21/2023).

NM_000329.3(RPE65):c.1205_1206insCCTG (p.Trp402fs)

Gene: RPE65 (retinoid isomerohydrolase RPE65; minus strand). Cytogenetic location: 1p31.3.
Variant type: Insertion.
Coding change: c.1205_1206insCCTG on transcript NM_000329.3 (MANE Select); coding-DNA positions 1205 to 1206, CCTG inserted.
Protein change: p.Trp402fs; shifts the reading frame from tryptophan 402.
Molecular consequence: frameshift variant.
Genome position: GRCh38 VCF-style: chr1-68431508-C-CCAGG. GRCh37 (hg19) VCF-style: chr1-68897191-C-CCAGG.
Other names: NM_000329.3:c.1205_1206insCCTG; c.1097_1098insCCTG, p.Trp366fs (NM_001406853.1); c.929_930insCCTG, p.Trp310fs (NM_001406856.1, NM_001406857.1); short protein forms W366fs, W310fs, W402fs.
Identifiers: ClinVar variation 3024114 (VCV003024114.1), dbSNP rs2523404003, ClinGen allele CA2497030194.